The following is an entry in ClinVar:

NM_001032386.2(SUOX):c.1589G>A (p.Gly530Asp)

Gene: SUOX (sulfite oxidase; plus strand). Cytogenetic location: 12q13.2.
Variant type: single nucleotide variant.
Coding change: c.1589G>A on transcript NM_001032386.2 (MANE Select); coding-DNA position 1589, G replaced by A.
Protein change: p.Gly530Asp; replaces glycine 530 with aspartic acid.
Molecular consequence: missense variant.
Genome position (GRCh38, 1-based): chr12:56,004,978, G>A. VCF-style: chr12-56004978-G-A. GRCh37 (hg19) VCF-style: chr12-56398762-G-A.
Other names: GLY473ASP; G473D; c.1589G>A, p.Gly530Asp (NM_000456.3, NM_001032387.2); short protein forms G530D.
Identifiers: ClinVar variation 3823 (VCV000003823.5), dbSNP rs121908009, ClinGen allele CA116471.

ClinVar aggregate classification (germline): Likely pathogenic. Review status: criteria provided, single submitter (1 of 4 stars). 3 submissions from 3 submitters: Likely pathogenic (1). 2 of the submissions do not count toward it. Last evaluated 2024-12-10.

Conditions:
Sulfite oxidase deficiency. Also called: Isolated sulfite oxidase deficiency. Identifiers: Orphanet 833, Orphanet 99731, MedGen C0268624, MONDO:0010089, OMIM 272300, HP:0003643.
Sulfocysteinuria. Identifiers: MedGen C2931746, HP:0032350.

Allele frequency attached by ClinVar (database versions not stated): gnomAD exomes below 0.00001; TOPMed 0.00001.

Submissions (3):

Women's Health and Genetics/Laboratory Corporation of America, LabCorp
Classification: Likely pathogenic for Sulfocysteinuria. Last evaluated: 2024-12-10. Review status: criteria provided, single submitter. Criteria: LabCorp Variant Classification Summary - May 2015. Collection method: clinical testing. Allele origin: germline.
Comment: Variant summary: SUOX c.1589G>A (p.Gly530Asp) results in a non-conservative amino acid change in the encoded protein sequence. Five of five in-silico tools predict a damaging effect of the variant on protein function. The variant allele was found at a frequency of 4e-06 in 251320 control chromosomes (gnomAD). c.1589G>A has been reported in the literature in an individual affected with Sulfite Oxidase Deficiency (Kisker_1997). At least one publication reports experimental evidence evaluating an impact on protein function, finding that the variant protein was enzymatically inactive (Wilson_2006). The following publications have been ascertained in the context of this evaluation (PMID: 9428520, 16475804). ClinVar contains an entry for this variant (Variation ID: 3823). Based on the evidence outlined above, the variant was classified as likely pathogenic.

OMIM
Classification: Pathogenic for SULFITE OXIDASE DEFICIENCY, ISOLATED. Last evaluated: 1997-12-26. Review status: no assertion criteria provided. Collection method: literature only. Allele origin: germline. Not counted in ClinVar's aggregate classification.

GeneReviews
No classification provided. Condition: Sulfite oxidase deficiency. Review status: no classification provided. Collection method: literature only. Allele origin: germline. Not counted in ClinVar's aggregate classification.

Literature cited by the submitters: PubMed 9428520 (cited by Women's Health and Genetics/Laboratory Corporation of America, LabCorp and OMIM); PubMed 16475804 (cited by Women's Health and Genetics/Laboratory Corporation of America, LabCorp); NCBI Bookshelf NBK453433 (cited by GeneReviews); PubMed 28933809 (cited by GeneReviews).